The following is an entry in ClinVar:

ClinVar aggregate classification (germline): Uncertain significance (1 of 4 stars; one submission).

Conditions:
Glycogen storage disease type III (GSD3). Also called: Cori disease; FORBES DISEASE. Identifiers: Orphanet 366, MedGen C0017922, MONDO:0009291, OMIM 232400.

Submission:

Labcorp Genetics (formerly Invitae), Labcorp
Classification: Uncertain significance for Glycogen storage disease type III. Last evaluated: 2022-05-09. Review status: criteria provided, single submitter. Criteria: Invitae Variant Classification Sherloc (09022015). Collection method: clinical testing. Allele origin: germline.
Comment: This sequence change replaces alanine, which is neutral and non-polar, with serine, which is neutral and polar, at codon 1400 of the AGL protein (p.Ala1400Ser). This variant is not present in population databases (gnomAD no frequency). This variant has not been reported in the literature in individuals affected with AGL-related conditions. Algorithms developed to predict the effect of missense changes on protein structure and function (SIFT, PolyPhen-2, Align-GVGD) all suggest that this variant is likely to be disruptive. In summary, the available evidence is currently insufficient to determine the role of this variant in disease. Therefore, it has been classified as a Variant of Uncertain Significance.

NM_000642.3(AGL):c.4198G>T (p.Ala1400Ser)

Gene: AGL (amylo-alpha-1,6-glucosidase and 4-alpha-glucanotransferase; plus strand). Cytogenetic location: 1p21.2.
Variant type: single nucleotide variant.
Coding change: c.4198G>T on transcript NM_000642.3 (MANE Select); coding-DNA position 4198, G replaced by T.
Protein change: p.Ala1400Ser; replaces alanine 1400 with serine.
Molecular consequence: missense variant.
Genome position (GRCh38, 1-based): chr1:99,915,425, G>T. VCF-style: chr1-99915425-G-T. GRCh37 (hg19) VCF-style: chr1-100380981-G-T.
Other names: c.4198G>T, p.Ala1400Ser (NM_000644.3, NM_001425325.1, NM_000028.3 and 1 more transcripts); c.4150G>T, p.Ala1384Ser (NM_000646.3); c.4177G>T, p.Ala1393Ser (NM_001425326.1); c.3997G>T, p.Ala1333Ser (NM_001425327.1); c.3994G>T, p.Ala1332Ser (NM_001425328.1); c.3859G>T, p.Ala1287Ser (NM_001425329.1); c.3820G>T, p.Ala1274Ser (NM_001425332.1); short protein forms A1400S, A1384S, A1274S, A1287S, A1332S, A1333S, A1393S.
Identifiers: ClinVar variation 2147230 (VCV002147230.1), dbSNP rs2523845862, ClinGen allele CA341341077.
Genomic context (GRCh38, chr1:99,915,425, plus strand): 5'-ATATTTGTTTTTGGCATTCACTAGGCCCCTGAGCTCTTTACTACAGAAAAAGCATGGAAA[G>T]CTTTGGAGATTGCAGAAAAAAAATTGCTTGGTCCCCTTGGCATGAAAACTTTAGATCCAG-3'
Protein context (NP_000633.2, residues 1390-1410): ELFTTEKAWK[Ala1400Ser]LEIAEKKLLG